The following is an entry in ClinVar:

NM_022552.5(DNMT3A):c.2556G>C (p.Met852Ile)

Gene: DNMT3A (DNA methyltransferase 3 alpha; minus strand). Cytogenetic location: 2p23.3.
Variant type: single nucleotide variant.
Coding change: c.2556G>C on transcript NM_022552.5 (MANE Select); coding-DNA position 2556, G replaced by C.
Protein change: p.Met852Ile; replaces methionine 852 with isoleucine.
Molecular consequence: missense variant. On other transcripts: non-coding transcript variant (1).
Genome position (GRCh38, 1-based): chr2:25,235,748, C>G on the plus strand (G>C on the coding strand, the complement: DNMT3A is on the minus strand). VCF-style: chr2-25235748-C-G. GRCh37 (hg19) VCF-style: chr2-25458617-C-G.
Other names: c.2100G>C, p.Met700Ile (NM_001320893.1); c.1887G>C, p.Met629Ile (NM_001375819.1); c.1989G>C, p.Met663Ile (NM_153759.3); c.2556G>C, p.Met852Ile (NM_175629.2); short protein forms M629I, M700I, M663I, M852I.
Identifiers: ClinVar variation 4243591 (VCV004243591.1).

ClinVar aggregate classification (germline): Uncertain significance (1 of 4 stars; one submission).

Conditions:
Inborn genetic diseases. Identifiers: MedGen C0950123, MeSH D030342.

Submission:

Ambry Genetics
Classification: Uncertain significance for Inborn genetic diseases. Last evaluated: 2025-06-29. Review status: criteria provided, single submitter. Criteria: Ambry Variant Classification Scheme 2023. Collection method: clinical testing. Allele origin: germline.
Comment: The p.M852I variant (also known as c.2556G>C), located in coding exon 21 of the DNMT3A gene, results from a G to C substitution at nucleotide position 2556. The methionine at codon 852 is replaced by isoleucine, an amino acid with highly similar properties. This amino acid position is conserved. In addition, this alteration is predicted to be deleterious by in silico analysis. Based on the available evidence, the clinical significance of this variant remains unclear.